The following is an entry in ClinVar:

ClinVar aggregate classification (germline): Uncertain significance. Review status: criteria provided, multiple submitters, no conflicts (2 of 4 stars). 2 submissions from 2 submitters: Uncertain significance (2). Last evaluated 2024-10-28.

Conditions:
Genitopatellar syndrome (GTPTS). Also called: Genitopatellar syndrome (GPS); ABSENT PATELLAE, SCROTAL HYPOPLASIA, RENAL ANOMALIES, FACIAL DYSMORPHISM, AND MENTAL RETARDATION. Identifiers: Orphanet 85201, MedGen C1853566, MONDO:0011640, OMIM 606170.
Blepharophimosis - intellectual disability syndrome, SBBYS type (SBBYSS). Also called: Say-Barber-Biesecker-Young-Simpson variant of Ohdo Syndrome; Say-Barber-Biesecker Variant of Ohdo Syndrome; Say-Barber-Biesecker variant of Ohdo syndrome (SBBYSS); Young Simpson syndrome; Mental retardation unusual facies hypothyroidism; Ohdo syndrome, SBBYS variant. Identifiers: Orphanet 3047, MedGen C1863557, MONDO:0011365, OMIM 603736.

Allele frequency attached by ClinVar (database versions not stated): TOPMed below 0.00001; gnomAD 0.00001; gnomAD exomes 0.00001 and 0.00002; ExAC 0.00002.
gnomAD v4.1: 10 of 1,614,130 alleles (0.00062%); highest among the groups gnomAD compares: Middle Eastern, 0.016%; no homozygotes.

Submissions (2):

Labcorp Genetics (formerly Invitae), Labcorp
Classification: Uncertain significance for Genitopatellar syndrome. Last evaluated: 2024-10-28. Review status: criteria provided, single submitter. Criteria: Invitae Variant Classification Sherloc (09022015). Collection method: clinical testing. Allele origin: germline.
Comment: This sequence change replaces isoleucine, which is neutral and non-polar, with valine, which is neutral and non-polar, at codon 129 of the KAT6B protein (p.Ile129Val). This variant is present in population databases (rs778694892, gnomAD 0.01%). This variant has not been reported in the literature in individuals affected with KAT6B-related conditions. ClinVar contains an entry for this variant (Variation ID: 1399696). Invitae Evidence Modeling of protein sequence and biophysical properties (such as structural, functional, and spatial information, amino acid conservation, physicochemical variation, residue mobility, and thermodynamic stability) indicates that this missense variant is not expected to disrupt KAT6B protein function with a negative predictive value of 80%. In summary, the available evidence is currently insufficient to determine the role of this variant in disease. Therefore, it has been classified as a Variant of Uncertain Significance.

Fulgent Genetics
Classification: Uncertain significance for Blepharophimosis - intellectual disability syndrome, SBBYS type; Genitopatellar syndrome. Last evaluated: 2024-01-24. Review status: criteria provided, single submitter. Criteria: ACMG Guidelines, 2015. Collection method: clinical testing. Allele origin: germline.

NM_012330.4(KAT6B):c.385A>G (p.Ile129Val)

Gene: KAT6B (lysine acetyltransferase 6B; plus strand). Cytogenetic location: 10q22.2.
Variant type: single nucleotide variant.
Coding change: c.385A>G on transcript NM_012330.4 (MANE Select); coding-DNA position 385, A replaced by G.
Protein change: p.Ile129Val; replaces isoleucine 129 with valine.
Molecular consequence: missense variant. On other transcripts: 5 prime UTR variant (2).
Genome position (GRCh38, 1-based): chr10:74,843,242, A>G. VCF-style: chr10-74843242-A-G. GRCh37 (hg19) VCF-style: chr10-76603000-A-G.
Other names: c.385A>G, p.Ile129Val (NM_001256468.2, NM_001256469.2, NM_001370132.1 and 10 more transcripts); c.-154A>G (NM_001370134.1, NM_001370135.1); short protein forms I129V.
Identifiers: ClinVar variation 1399696 (VCV001399696.7), dbSNP rs778694892, ClinGen allele CA5564208.
Genomic context (GRCh38, chr10:74,843,242, plus strand): 5'-AAACTTTTAAGGAGAGCAATTGAAGGACTTGAGGAGCCGAATGGCTCCTCCCTGAAGAAC[A>G]TAGAGAAGTATCTCAGAAGTCAAAGTGATCTCACAAGCACCACCAACAACCCAGCCTTTC-3'
Protein context (NP_036462.2, residues 119-139): EEPNGSSLKN[Ile129Val]EKYLRSQSDL